The following is an entry in ClinVar:

ClinVar aggregate classification (germline): Uncertain significance (0 of 4 stars; one submission).

Submission:

Martin Pollak Laboratory,  Beth Israel Deaconess Medical Center
Classification: Uncertain significance. Review status: no assertion criteria provided. Collection method: not provided. Allele origin: unknown.
Comment: Lower UCa2+ group
ClinVar note: Converted during submission from unknown to Uncertain significance.

NM_032387.5(WNK4):c.973G>A (p.Ala325Thr)

Genes: WNK4 (WNK lysine deficient protein kinase 4; plus strand), LOC126862568 (CDK7 strongly-dependent group 2 enhancer GRCh37_chr17:40934948-40936147; plus strand). Cytogenetic location: 17q21.2.
Variant type: single nucleotide variant.
Coding change: c.973G>A on transcript NM_032387.5 (MANE Select); coding-DNA position 973, G replaced by A.
Protein change: p.Ala325Thr; replaces alanine 325 with threonine.
Molecular consequence: missense variant. On other transcripts: nonsense (1).
Genome position (GRCh38, 1-based): chr17:42,784,118, G>A. VCF-style: chr17-42784118-G-A. GRCh37 (hg19) VCF-style: chr17-40936136-G-A.
Other names: c.54G>A, p.Trp18Ter (NM_001321299.2); short protein forms A325T, W18*.
Identifiers: ClinVar variation 64604 (VCV000064604.2), dbSNP rs387907559, ClinGen allele CA216494.